The following is an entry in ClinVar:

NM_000051.4(ATM):c.901+7A>G

Gene: ATM (ATM serine/threonine kinase; plus strand). Cytogenetic location: 11q22.3.
Variant type: single nucleotide variant.
Coding change: c.901+7A>G on transcript NM_000051.4 (MANE Select); 7 bases into the intron after coding-DNA position 901, A replaced by G.
Molecular consequence: intron variant.
Genome position (GRCh38, 1-based): chr11:108,245,033, A>G. VCF-style: chr11-108245033-A-G. GRCh37 (hg19) VCF-style: chr11-108115760-A-G.
Other names: c.901+7A>G (NM_001351834.2).
Identifiers: ClinVar variation 389880 (VCV000389880.18), dbSNP rs1057523569, ClinGen allele CA16606778.

ClinVar aggregate classification (germline): Likely benign. Review status: criteria provided, multiple submitters, no conflicts (2 of 4 stars). 6 submissions from 6 submitters: Likely benign (5). 1 of the submissions does not count toward it. Last evaluated 2025-03-05.

Conditions:
Hereditary cancer-predisposing syndrome. Also called: Tumor predisposition; Neoplastic Syndromes, Hereditary; Hereditary neoplastic syndrome; Hereditary Cancer Syndrome. Identifiers: Orphanet 140162, MedGen C0027672, MeSH D009386, MONDO:0015356.
Ataxia-telangiectasia syndrome (AT). Also called: LOUIS-BAR SYNDROME; ATAXIA-TELANGIECTASIA, COMPLEMENTATION GROUP A; ATAXIA-TELANGIECTASIA, FRESNO VARIANT; Ataxia-telangiectasia; Ataxia-telangiectasia, complementation group D; AT, COMPLEMENTATION GROUP C. Identifiers: Orphanet 100, MedGen C0004135, MONDO:0008840, OMIM 208900.
Familial cancer of breast. Also called: BREAST CANCER, FAMILIAL; Hereditary breast cancer; hereditary breast carcinoma. Identifiers: Orphanet 227535, MedGen C0346153, MONDO:0016419, OMIM 114480. Disease mechanism: loss of function.
ATM-related disorder. Also called: ATM-related disorders; ATM-related condition.

Allele frequency attached by ClinVar (database versions not stated): gnomAD exomes below 0.00001; gnomAD 0.00001; TOPMed 0.00001.
gnomAD v4.1: 7 of 1,591,856 alleles (0.00044%); highest among the groups gnomAD compares: African/African-American, 0.0013%; no homozygotes.

Submissions (6):

Labcorp Genetics (formerly Invitae), Labcorp
Classification: Likely benign for Ataxia-telangiectasia syndrome. Last evaluated: 2025-03-05. Review status: criteria provided, single submitter. Criteria: Invitae Variant Classification Sherloc (09022015). Collection method: clinical testing. Allele origin: germline.

Myriad Genetics, Inc.
Classification: Likely benign for Familial cancer of breast. Last evaluated: 2024-04-23. Review status: criteria provided, single submitter. Criteria: Myriad Autosomal Dominant, Autosomal Recessive and X-Linked Classification Criteria (2023). Collection method: clinical testing. Allele origin: unknown.
Comment: This variant is considered likely benign. This variant is intronic and is not expected to impact mRNA splicing.

Blueprint Genetics
Classification: Likely benign. Last evaluated: 2021-07-13. Review status: criteria provided, single submitter. Criteria: ACMG Guidelines, 2015. Collection method: clinical testing. Allele origin: germline.

Color Diagnostics, LLC DBA Color Health
Classification: Likely benign for Hereditary cancer-predisposing syndrome. Last evaluated: 2016-10-31. Review status: criteria provided, single submitter. Criteria: ACMG Guidelines, 2015. Collection method: clinical testing. Allele origin: germline.

GeneDx
Classification: Likely benign. Last evaluated: 2016-10-04. Review status: criteria provided, single submitter. Criteria: GeneDx Variant Classification (06012015). Collection method: clinical testing. Allele origin: germline. Affected: yes.
Comment: This variant is considered likely benign or benign based on one or more of the following criteria: it is a conservative change, it occurs at a poorly conserved position in the protein, it is predicted to be benign by multiple in silico algorithms, and/or has population frequency not consistent with disease.

PreventionGenetics, part of Exact Sciences
Classification: Likely benign for ATM-related condition. Last evaluated: 2020-06-18. Review status: no assertion criteria provided. Collection method: clinical testing. Allele origin: germline. Not counted in ClinVar's aggregate classification.
Comment: This variant is classified as likely benign based on ACMG/AMP sequence variant interpretation guidelines (Richards et al. 2015 PMID: 25741868, with internal and published modifications).